The following is an entry in ClinVar:

ClinVar aggregate classification (germline): Uncertain significance. Review status: criteria provided, multiple submitters, no conflicts (2 of 4 stars). 3 submissions from 3 submitters: Uncertain significance (3). Last evaluated 2025-05-03.

Conditions:
Marfan syndrome (MFS). Also called: Marfan syndrome, classic; Marfan syndrome type 1; Marfan's syndrome; FBN1-Related Marfan Syndrome; MARFAN SYNDROME, TYPE I. Identifiers: Orphanet 284963, Orphanet 558, MedGen C0024796, MONDO:0007947, OMIM 154700.
Familial thoracic aortic aneurysm and aortic dissection (TAAD). Also called: Thoracic aortic aneurysms and dissections. Identifiers: Orphanet 91387, MedGen C4707243, MONDO:0019625.

gnomAD v4.1: 16 of 1,613,720 alleles (0.00099%); highest among the groups gnomAD compares: Non-Finnish European, 0.0014%; no homozygotes.

Submissions (3):

GeneDx
Classification: Uncertain significance. Last evaluated: 2025-05-03. Review status: criteria provided, single submitter. Criteria: GeneDx Variant Classification Process June 2021. Collection method: clinical testing. Allele origin: germline. Affected: yes.
Comment: Not observed at significant frequency in large population cohorts (gnomAD); In silico analysis supports that this missense variant has a deleterious effect on protein structure/function; Has not been previously published as pathogenic or benign to our knowledge; Does not affect a cysteine or calcium-binding residue within an EGF-like domain or a TGF-binding protein domain of the FBN1 gene; cysteine substitutions in the EGF-like domains represent the majority of pathogenic missense changes associated with FBN1-related disorders (PMID: 12938084); This variant is associated with the following publications: (PMID: 12938084)

Color Diagnostics, LLC DBA Color Health
Classification: Uncertain significance for Familial thoracic aortic aneurysm and aortic dissection. Last evaluated: 2024-03-06. Review status: criteria provided, single submitter. Criteria: ACMG Guidelines, 2015. Collection method: clinical testing. Allele origin: germline.
Comment: This missense variant replaces arginine with glycine at codon 41 of the FBN1 protein. Computational prediction suggests that this variant may not impact protein structure and function (internally defined REVEL score threshold <= 0.5, PMID: 27666373). To our knowledge, functional studies have not been reported for this variant. This variant has not been reported in individuals affected with FBN1-related disorders in the literature. This variant has not been identified in the general population by the Genome Aggregation Database (gnomAD). The available evidence is insufficient to determine the role of this variant in disease conclusively. Therefore, this variant is classified as a Variant of Uncertain Significance.

All of Us Research Program, National Institutes of Health
Classification: Uncertain significance for Marfan syndrome. Last evaluated: 2023-10-30. Review status: criteria provided, single submitter. Criteria: ACMG Guidelines, 2015. Collection method: clinical testing. Allele origin: germline. Inheritance: Autosomal dominant inheritance. Observed: 2 variant alleles, 2 heterozygotes.
Comment: This missense variant replaces arginine with glycine at codon 41 of the FBN1 protein. Computational prediction tools and conservation analyses are inconclusive regarding the impact of this variant on protein structure and function. Splice site prediction tools suggest that this variant may not impact RNA splicing. To our knowledge, functional studies have not been performed for this variant. This variant has not been reported in individuals affected with cardiovascular disorders in the literature. This variant has not been identified in the general population by the Genome Aggregation Database (gnomAD). The available evidence is insufficient to determine the role of this variant in disease conclusively. Therefore, this variant is classified as a Variant of Uncertain Significance.

This study involves interpretation of variants in research participants for the purpose of population health screening. Participant phenotype was not available at the time of variant classification. Additional details can be found in publication PMID: 35346344, PMCID: PMC8962531

NM_000138.5(FBN1):c.121C>G (p.Arg41Gly)

Gene: FBN1 (fibrillin 1; minus strand). Cytogenetic location: 15q21.1.
Variant type: single nucleotide variant.
Coding change: c.121C>G on transcript NM_000138.5 (MANE Select); coding-DNA position 121, C replaced by G.
Protein change: p.Arg41Gly; replaces arginine 41 with glycine.
Molecular consequence: missense variant.
Genome position (GRCh38, 1-based): chr15:48,644,649, G>C on the plus strand (C>G on the coding strand, the complement: FBN1 is on the minus strand). VCF-style: chr15-48644649-G-C. GRCh37 (hg19) VCF-style: chr15-48936846-G-C.
Other names: short protein forms R41G.
Identifiers: ClinVar variation 918477 (VCV000918477.7), dbSNP rs1158441291, ClinGen allele CA392453592.
Genomic context (GRCh38, chr15:48,644,649, plus strand): 5'-GGAACCGGTTCCTTTACCCTTTAAGCGCGTCGTGTCCTCCACCGCCTCTTCTCTTGGCCC[G>C]ACTGGCTCTGGTTTCCTTCACGTTCCCAGCCTCCAAATTGGCGTCCGCCCCATGGCTCGT-3'
Protein context (NP_000129.3, residues 31-51): AGNVKETRAS[Arg41Gly]AKRRGGGGHD